The following is an entry in ClinVar:

ClinVar aggregate classification (germline): Pathogenic (1 of 4 stars; one submission).

Conditions:
Arthrogryposis, distal, with impaired proprioception and touch (DAIPT). Identifiers: MedGen C4310692, MONDO:0014941, OMIM 617146.

Submission:

3billion
Classification: Pathogenic for Arthrogryposis, distal, with impaired proprioception and touch. Last evaluated: 2025-05-29. Review status: criteria provided, single submitter. Criteria: ACMG Guidelines, 2015. Collection method: clinical testing. Allele origin: germline. Affected: yes.
Comment: The variant is not observed in the gnomAD v4.1.0 dataset. Predicted Consequence/Location: Stop-gained (nonsense): predicted to result in a loss or disruption of normal protein function through nonsense-mediated decay (NMD) or protein truncation. Multiple pathogenic variants are reported downstream of the variant. Therefore, this variant is classified as Pathogenic according to the recommendation of ACMG/AMP guideline.

NM_001378183.1(PIEZO2):c.7642C>T (p.Gln2548Ter)

Gene: PIEZO2 (piezo type mechanosensitive ion channel component 2; minus strand). Cytogenetic location: 18p11.22.
Variant type: single nucleotide variant.
Coding change: c.7642C>T on transcript NM_001378183.1 (MANE Select); coding-DNA position 7642, C replaced by T.
Protein change: p.Gln2548Ter; replaces glutamine 2548 with a stop codon.
Molecular consequence: nonsense.
Genome position (GRCh38, 1-based): chr18:10,682,148, G>A on the plus strand (C>T on the coding strand, the complement: PIEZO2 is on the minus strand). VCF-style: chr18-10682148-G-A. GRCh37 (hg19) VCF-style: chr18-10682145-G-A.
Other names: c.7378C>T, p.Gln2460Ter (NM_001410871.1); c.7303C>T, p.Gln2435Ter (NM_022068.4); short protein forms Q2435*, Q2460*, Q2548*.
Identifiers: ClinVar variation 4855666 (VCV004855666.1).